The following is an entry in ClinVar:

ClinVar aggregate classification (germline): Uncertain significance (1 of 4 stars; one submission).

Conditions:
Emery-Dreifuss muscular dystrophy (EDMD). Also called: Scapuloperoneal syndrome, X-linked (formerly); Humeroperoneal neuromuscular disease, (formerly). Identifiers: Orphanet 261, MedGen C0410189, MONDO:0016830.

Allele frequency attached by ClinVar (database versions not stated): gnomAD exomes 0.00001 and 0.00004; TOPMed 0.00006; ExAC 0.00007; ESP Exome Variant Server 0.00008; gnomAD 0.00009 and 0.00010.
gnomAD v4.1: 35 of 1,579,974 alleles (0.0022%); highest among the groups gnomAD compares: African/African-American, 0.027%; 1 homozygote.

Submission:

Labcorp Genetics (formerly Invitae), Labcorp
Classification: Uncertain significance for Emery-Dreifuss muscular dystrophy. Last evaluated: 2025-02-19. Review status: criteria provided, single submitter. Criteria: Invitae Variant Classification Sherloc (09022015). Collection method: clinical testing. Allele origin: germline.
Comment: This sequence change replaces alanine, which is neutral and non-polar, with valine, which is neutral and non-polar, at codon 87 of the SUN1 protein (p.Ala87Val). This variant is present in population databases (rs371152290, gnomAD 0.03%). This variant has not been reported in the literature in individuals affected with SUN1-related conditions. ClinVar contains an entry for this variant (Variation ID: 1051305). An algorithm developed to predict the effect of missense changes on protein structure and function outputs the following: PolyPhen-2: "Benign". The valine amino acid residue is found in multiple mammalian species, which suggests that this missense change does not adversely affect protein function. In summary, the available evidence is currently insufficient to determine the role of this variant in disease. Therefore, it has been classified as a Variant of Uncertain Significance.

NM_001130965.3(SUN1):c.260C>T (p.Ala87Val)

Gene: SUN1 (Sad1 and UNC84 domain containing 1; plus strand). Cytogenetic location: 7p22.3.
Variant type: single nucleotide variant.
Coding change: c.260C>T on transcript NM_001130965.3 (MANE Select); coding-DNA position 260, C replaced by T.
Protein change: p.Ala87Val; replaces alanine 87 with valine.
Molecular consequence: missense variant. On other transcripts: 5 prime UTR variant (2), non-coding transcript variant (3), intron variant (2).
Genome position (GRCh38, 1-based): chr7:838,980, C>T. VCF-style: chr7-838980-C-T. GRCh37 (hg19) VCF-style: chr7-878617-C-T.
Other names: c.260C>T, p.Ala87Val (NM_001171944.2, NM_001171946.2, NM_001367633.1 and 34 more transcripts); c.323C>T, p.Ala108Val (NM_001171945.2); c.-198C>T (NM_001367635.1); c.110C>T, p.Ala37Val (NM_001367636.1, NM_001367637.1, NM_001367644.1 and 24 more transcripts); c.479C>T, p.Ala160Val (NM_001367651.1); c.-502C>T (NM_001367658.1); c.78-2966C>T (NM_001367695.1); c.-301-2966C>T (NM_001367639.1); short protein forms A108V, A160V, A37V, A87V.
Identifiers: ClinVar variation 1051305 (VCV001051305.9), dbSNP rs371152290, ClinGen allele CA4111430.